The following is an entry in ClinVar:

ClinVar aggregate classification (germline): Likely benign (1 of 4 stars; one submission).

Submission:

CeGaT Center for Human Genetics Tuebingen
Classification: Likely benign. Last evaluated: 2025-10-01. Review status: criteria provided, single submitter. Criteria: CeGaT Center For Human Genetics Tuebingen Variant Classification Criteria Version 2. Collection method: clinical testing. Allele origin: germline. Affected: yes. Observed: 1 variant allele.
Comment: FRG2B: BP4, BP7

NM_001080998.2(FRG2B):c.780C>T (p.Pro260=)

Gene: FRG2B (FSHD region gene 2 family member B; minus strand). Cytogenetic location: 10q26.3.
Variant type: single nucleotide variant.
Coding change: c.780C>T on transcript NM_001080998.2 (MANE Select); coding-DNA position 780, C replaced by T.
Protein change: p.Pro260=; no amino-acid change (proline 260 retained).
Molecular consequence: synonymous variant.
Genome position (GRCh38, 1-based): chr10:133,625,156, G>A on the plus strand (C>T on the coding strand, the complement: FRG2B is on the minus strand). VCF-style: chr10-133625156-G-A. GRCh37 (hg19) VCF-style: chr10-135438660-G-A.
Identifiers: ClinVar variation 4534910 (VCV004534910.6).